The following is an entry in ClinVar:

ClinVar aggregate classification (germline): Conflicting classifications of pathogenicity. Review status: criteria provided, conflicting classifications (1 of 4 stars). 3 submissions from 3 submitters: Uncertain significance (1); Likely benign (1). 1 of the submissions does not count toward it. Last evaluated 2024-08-27.

Conditions:
PLXNA2-related disorder. Also called: PLXNA2-related condition.

Allele frequency attached by ClinVar (database versions not stated): gnomAD 0.00012; gnomAD exomes 0.00008; 1000 Genomes Project 30x 0.00031; 1000 Genomes Project 0.00020; ExAC 0.00021.
gnomAD v4.1: 149 of 1,614,244 alleles (0.0092%); highest among the groups gnomAD compares: East Asian, 0.13%; 1 homozygote.

Submissions (3):

Labcorp Genetics (formerly Invitae), Labcorp
Classification: Likely benign. Last evaluated: 2024-08-27. Review status: criteria provided, single submitter. Criteria: Invitae Variant Classification Sherloc (09022015). Collection method: clinical testing. Allele origin: germline.

Ambry Genetics
Classification: Uncertain significance. Last evaluated: 2024-05-23. Review status: criteria provided, single submitter. Criteria: Ambry Variant Classification Scheme 2023. Collection method: clinical testing. Allele origin: germline.

PreventionGenetics, part of Exact Sciences
Classification: Likely benign for PLXNA2-related condition. Last evaluated: 2022-02-17. Review status: no assertion criteria provided. Collection method: clinical testing. Allele origin: germline. Not counted in ClinVar's aggregate classification.
Comment: This variant is classified as likely benign based on ACMG/AMP sequence variant interpretation guidelines (Richards et al. 2015 PMID: 25741868, with internal and published modifications).

NM_025179.4(PLXNA2):c.2792G>A (p.Arg931His)

Gene: PLXNA2 (plexin A2; minus strand). Cytogenetic location: 1q32.2.
Variant type: single nucleotide variant.
Coding change: c.2792G>A on transcript NM_025179.4 (MANE Select); coding-DNA position 2792, G replaced by A.
Protein change: p.Arg931His; replaces arginine 931 with histidine.
Molecular consequence: missense variant.
Genome position (GRCh38, 1-based): chr1:208,054,485, C>T on the plus strand (G>A on the coding strand, the complement: PLXNA2 is on the minus strand). VCF-style: chr1-208054485-C-T. GRCh37 (hg19) VCF-style: chr1-208227830-C-T.
Other names: c.2792G>A (NM_025179.3); short protein forms R931H.
Identifiers: ClinVar variation 2064363 (VCV002064363.7), dbSNP rs558770025, ClinGen allele CA1373397.
Genomic context (GRCh38, chr1:208,054,485, plus strand): 5'-AAGGTGTACTGCTGATGGGACTTCGTCATGAACTCTGGCTTACACTCGCCAATACACAGG[C>T]GTACTGGCCCGGAGGTGGTTCCCACGAGGGCATGGCCCATCTCACAGACAATCCTGGGGA-3'
Protein context (NP_079455.3, residues 921-941): ALVGTTSGPV[Arg931His]LCIGECKPEF